The following is an entry in ClinVar:

ClinVar aggregate classification (germline): Uncertain significance (1 of 4 stars; one submission).

Conditions:
Myopathy with tubular aggregates (TAM). Also called: Tubular Aggregate Myopathy. Identifiers: Orphanet 2593, MedGen C0410207, MONDO:0008051.
Stormorken syndrome (STRMK). Also called: THROMBOCYTOPATHY, ASPLENIA, AND MIOSIS. Identifiers: Orphanet 3204, MedGen C1861451, MONDO:0008497, OMIM 185070.
Combined immunodeficiency due to STIM1 deficiency. Also called: IMMUNODEFICIENCY 10; STIM1 DEFICIENCY. Identifiers: Orphanet 169090, Orphanet 317430, MedGen C2748557, MONDO:0013008, OMIM 612783.

Allele frequency attached by ClinVar (database versions not stated): TOPMed below 0.00001; gnomAD 0.00001.

Submission:

Labcorp Genetics (formerly Invitae), Labcorp
Classification: Uncertain significance for Myopathy with tubular aggregates; Combined immunodeficiency due to STIM1 deficiency; Stormorken syndrome. Last evaluated: 2025-04-14. Review status: criteria provided, single submitter. Criteria: Invitae Variant Classification Sherloc (09022015). Collection method: clinical testing. Allele origin: germline.
Comment: This sequence change replaces histidine, which is basic and polar, with arginine, which is basic and polar, at codon 162 of the STIM1 protein (p.His162Arg). This variant is not present in population databases (gnomAD no frequency). This variant has not been reported in the literature in individuals affected with STIM1-related conditions. ClinVar contains an entry for this variant (Variation ID: 2098730). Invitae Evidence Modeling of protein sequence and biophysical properties (such as structural, functional, and spatial information, amino acid conservation, physicochemical variation, residue mobility, and thermodynamic stability) indicates that this missense variant is not expected to disrupt STIM1 protein function with a negative predictive value of 95%. In summary, the available evidence is currently insufficient to determine the role of this variant in disease. Therefore, it has been classified as a Variant of Uncertain Significance.

NM_001382567.1(STIM1):c.485A>G (p.His162Arg)

Gene: STIM1 (stromal interaction molecule 1; plus strand). Cytogenetic location: 11p15.4.
Variant type: single nucleotide variant.
Coding change: c.485A>G on transcript NM_001382567.1 (MANE Select); coding-DNA position 485, A replaced by G.
Protein change: p.His162Arg; replaces histidine 162 with arginine.
Molecular consequence: missense variant. On other transcripts: 5 prime UTR variant (2), non-coding transcript variant (3), intron variant (2).
Genome position (GRCh38, 1-based): chr11:4,055,625, A>G. VCF-style: chr11-4055625-A-G. GRCh37 (hg19) VCF-style: chr11-4076855-A-G.
Other names: c.485A>G, p.His162Arg (NM_001277961.3, NM_001277962.2, NM_001382568.1 and 2 more transcripts); c.263A>G, p.His88Arg (NM_001382566.1, NM_001382573.1, NM_001382574.1 and 5 more transcripts); c.350A>G, p.His117Arg (NM_001382569.1); c.-5A>G (NM_001382580.1, NM_001382581.1); c.386-14401A>G (NM_001382570.1); c.18-3656A>G (NM_001382571.1); short protein forms H162R, H88R, H117R.
Identifiers: ClinVar variation 2098730 (VCV002098730.4), dbSNP rs2094282845, ClinGen allele CA379485647.